The following is an entry in ClinVar:

NM_018297.4(NGLY1):c.-18_14del (p.Met1fs)

Genes: NGLY1 (N-glycanase 1; minus strand), LOC129936379 (ATAC-STARR-seq lymphoblastoid silent region 14147; plus strand). Cytogenetic location: 3p24.2.
Variant type: Deletion.
Coding change: c.-18_14del on transcript NM_018297.4 (MANE Select); 18 bases upstream of the start codon through coding-DNA position 14, 32 bases deleted.
Protein change: p.Met1fs; shifts the reading frame from methionine 1.
Molecular consequence: frameshift variant, initiator codon variant. On other transcripts: intron variant (1).
Genome position (GRCh38, 1-based): chr3:25,783,377-25,783,408, 32 bases deleted; deleting any 32 consecutive bases within chr3:25,783,377-25,783,420 gives the same sequence; the c. name uses the placement nearest the transcript's 3' end. GRCh37 (hg19): chr3:25,824,880-25,824,911.
Other names: c.-18_14del, p.Met1fs (NM_001145293.2, NM_001145295.2); c.6-4720_6-4689del (NM_001145294.2); c.-30_2del (NM_018297.4); short protein forms M1fs.
Identifiers: ClinVar variation 1475483 (VCV001475483.7), dbSNP rs762131179, ClinGen allele CA2289611.
Genomic context (GRCh38, chr3:25,783,376, plus strand): 5'-CGGGGTGTTCTGGCAGAGCTCAGCCACGGCCGGGGACGCCGAGCCTGAGGAGCTGCCCAA[TGCCGCCGCCGCCATGCTTGAGCGCCAGCGGGC>T]GCCGCCGCCGCCCCTCGCTCTCCGCGTCCCACACTGAGCAGGCGCCTCAGCGCGCAGCAG-3'

ClinVar aggregate classification (germline): Uncertain significance. Review status: criteria provided, multiple submitters, no conflicts (2 of 4 stars). 3 submissions from 3 submitters: Uncertain significance (3). Last evaluated 2024-01-01.

Conditions:
Congenital disorder of deglycosylation (CDDG). Identifiers: MedGen C3808991, MONDO:0031376.
Congenital disorder of deglycosylation 1. Also called: NGLY1-Related Congenital Disorder of Deglycosylation; NGLY1-deficiency. Identifiers: Orphanet 404454, MedGen CN306977, MONDO:0800044, OMIM 615273.

Submissions (3):

Daryl Scott Lab, Baylor College of Medicine
Classification: Uncertain significance for Congenital disorder of deglycosylation 1. Last evaluated: 2024-01-01. Review status: criteria provided, single submitter. Criteria: ACMG Guidelines, 2015. Collection method: clinical testing. Allele origin: de novo. Observed: 1 heterozygote.
Comment: PS2, PM2

GeneDx
Classification: Uncertain significance. Last evaluated: 2022-09-09. Review status: criteria provided, single submitter. Criteria: GeneDx Variant Classification Process June 2021. Collection method: clinical testing. Allele origin: germline. Affected: yes.
Comment: Deletion predicted to destroy initiating ATG codon and regulatory Kozak sequence in a gene for which loss of function is a known mechanism of disease; Has not been previously published as pathogenic or benign to our knowledge

Labcorp Genetics (formerly Invitae), Labcorp
Classification: Uncertain significance for Congenital disorder of deglycosylation. Last evaluated: 2021-09-01. Review status: criteria provided, single submitter. Criteria: Invitae Variant Classification Sherloc (09022015). Collection method: clinical testing. Allele origin: germline.
Comment: This sequence change affects the initiator methionine of the NGLY1 mRNA. The next in-frame methionine is located at codon 78. The frequency data for this variant in the population databases is considered unreliable, as metrics indicate poor data quality at this position in the ExAC database. This variant has not been reported in the literature in individuals affected with NGLY1-related conditions. In summary, the available evidence is currently insufficient to determine the role of this variant in disease. Therefore, it has been classified as a Variant of Uncertain Significance.